The following is an entry in ClinVar:

ClinVar aggregate classification (germline): Likely benign. Review status: criteria provided, multiple submitters, no conflicts (2 of 4 stars). 4 submissions from 4 submitters: Likely benign (4). Last evaluated 2026-01-26.

Allele frequency attached by ClinVar (database versions not stated): gnomAD exomes 0.00069; ExAC 0.00087; 1000 Genomes Project 0.00180; 1000 Genomes Project 30x 0.00203; ESP Exome Variant Server 0.00231; gnomAD 0.00236 and 0.00263; TOPMed 0.00278.
gnomAD v4.1: 839 of 1,613,838 alleles (0.052%); highest among the groups gnomAD compares: African/African-American, 0.83%; 1 homozygote.

Submissions (4):

Labcorp Genetics (formerly Invitae), Labcorp
Classification: Likely benign. Last evaluated: 2026-01-26. Review status: criteria provided, single submitter. Criteria: Invitae Variant Classification Sherloc (09022015). Collection method: clinical testing. Allele origin: germline.

Blueprint Genetics
Classification: Likely benign. Last evaluated: 2024-08-26. Review status: criteria provided, single submitter. Criteria: ACMG Guidelines, 2015. Collection method: clinical testing. Allele origin: germline.

CeGaT Center for Human Genetics Tuebingen
Classification: Likely benign. Last evaluated: 2023-06-01. Review status: criteria provided, single submitter. Criteria: CeGaT Center For Human Genetics Tuebingen Variant Classification Criteria Version 2. Collection method: clinical testing. Allele origin: germline. Affected: yes. Observed: 2 variant alleles.
Comment: MYO18B: BP4

Breakthrough Genomics
Classification: Likely benign. Review status: criteria provided, single submitter. Criteria: ACMG Guidelines, 2015. Collection method: not provided. Allele origin: germline. Inheritance: Autosomal recessive inheritance. Affected: yes.

NM_032608.7(MYO18B):c.6596G>A (p.Arg2199Gln)

Gene: MYO18B (myosin XVIIIB; plus strand). Cytogenetic location: 22q12.1.
Variant type: single nucleotide variant.
Coding change: c.6596G>A on transcript NM_032608.7 (MANE Select); coding-DNA position 6596, G replaced by A.
Protein change: p.Arg2199Gln; replaces arginine 2199 with glutamine.
Molecular consequence: missense variant.
Genome position (GRCh38, 1-based): chr22:26,026,570, G>A. VCF-style: chr22-26026570-G-A. GRCh37 (hg19) VCF-style: chr22-26422536-G-A.
Other names: c.6599G>A, p.Arg2200Gln (NM_001318245.2); short protein forms R2199Q, R2200Q.
Identifiers: ClinVar variation 785683 (VCV000785683.35), dbSNP rs114927091, ClinGen allele CA10161570.